The following is an entry in ClinVar:

NM_000059.4(BRCA2):c.112G>A (p.Glu38Lys)

Gene: BRCA2 (BRCA2 DNA repair associated; plus strand). Cytogenetic location: 13q13.1.
Variant type: single nucleotide variant.
Coding change: c.112G>A on transcript NM_000059.4 (MANE Select); coding-DNA position 112, G replaced by A.
Protein change: p.Glu38Lys; replaces glutamic acid 38 with lysine.
Molecular consequence: missense variant.
Genome position (GRCh38, 1-based): chr13:32,319,121, G>A. VCF-style: chr13-32319121-G-A. GRCh37 (hg19) VCF-style: chr13-32893258-G-A.
Other names: short protein forms E38K.
Identifiers: ClinVar variation 479376 (VCV000479376.26), dbSNP rs1555280344, ClinGen allele CA387754188.

ClinVar aggregate classification (germline): Uncertain significance. Review status: criteria provided, multiple submitters, no conflicts (2 of 4 stars). 8 submissions from 8 submitters: Uncertain significance (7). 1 of the submissions does not count toward it. Last evaluated 2025-12-09.

Conditions:
BRCA2-related cancer predisposition. Identifiers: MedGen CN377758, MONDO:0700269.
Hereditary cancer-predisposing syndrome. Also called: Tumor predisposition; Neoplastic Syndromes, Hereditary; Hereditary Cancer Syndrome; Hereditary neoplastic syndrome. Identifiers: Orphanet 140162, MedGen C0027672, MeSH D009386, MONDO:0015356.
Hereditary breast ovarian cancer syndrome. Also called: Hereditary breast and ovarian cancer; Breast and ovarian cancer; Hereditary breast and/or ovarian cancer syndrome; Hereditary breast and ovarian cancer syndrome (HBOC); BRCA1- and BRCA2-Associated Hereditary Breast and Ovarian Cancer; Hereditary breast and ovarian cancer syndrome. Identifiers: Orphanet 145, MedGen C0677776, MeSH D061325, MONDO:0003582. Disease mechanism: loss of function.
Breast-ovarian cancer, familial, susceptibility to, 2 (BROVCA2). Also called: BRCA2 Hereditary Breast and Ovarian Cancer. Identifiers: Orphanet 145, MedGen C2675520, MONDO:0012933, OMIM 612555. Disease mechanism: loss of function.
Breast cancer, susceptibility to. Identifiers: MedGen C3469522. Disease mechanism: gain of function.

Allele frequency attached by ClinVar (database versions not stated): gnomAD exomes below 0.00001.

Submissions (8):

Color Diagnostics, LLC DBA Color Health
Classification: Uncertain significance for Hereditary cancer-predisposing syndrome. Last evaluated: 2025-12-09. Review status: criteria provided, single submitter. Criteria: ACMG Guidelines, 2015. Collection method: clinical testing. Allele origin: germline.
Comment: This missense variant replaces glutamic acid with lysine at codon 38 of the BRCA2 protein. Computational predictions are inconclusive regarding the impact of this variant on protein structure and function. To our knowledge, functional studies have not been reported for this variant. This variant has been detected in a breast cancer case-control meta-analysis in 1/53461 unaffected individuals and absent in 60466 cases (PMID: 33471991LOVD DB-ID BRCA2_007681). A multifactorial analysis reached a likelihood ratio (LR) of 0.205 based on breast cancer case-control data involving less than 5 carriers (PMID: 40413188). This variant has been identified in 1/1613284 chromosomes in the general population by the Genome Aggregation Database (gnomAD). The available evidence is insufficient to determine the role of this variant in disease conclusively. Therefore, this variant is classified as a Variant of Uncertain Significance.

Labcorp Genetics (formerly Invitae), Labcorp
Classification: Uncertain significance for Hereditary breast ovarian cancer syndrome. Last evaluated: 2025-02-18. Review status: criteria provided, single submitter. Criteria: Invitae Variant Classification Sherloc (09022015). Collection method: clinical testing. Allele origin: germline.
Comment: This sequence change replaces glutamic acid, which is acidic and polar, with lysine, which is basic and polar, at codon 38 of the BRCA2 protein (p.Glu38Lys). This variant is not present in population databases (gnomAD no frequency). This missense change has been observed in individual(s) with breast cancer (PMID: 30039884). ClinVar contains an entry for this variant (Variation ID: 479376). Invitae Evidence Modeling of protein sequence and biophysical properties (such as structural, functional, and spatial information, amino acid conservation, physicochemical variation, residue mobility, and thermodynamic stability) indicates that this missense variant is not expected to disrupt BRCA2 protein function with a negative predictive value of 95%. Experimental studies have shown that this missense change does not substantially affect BRCA2 function (PMID: 37731132). In summary, the available evidence is currently insufficient to determine the role of this variant in disease. Therefore, it has been classified as a Variant of Uncertain Significance.

Molecular Pathology, Peter Maccallum Cancer Centre
Classification: Uncertain significance for Breast-ovarian cancer, familial, susceptibility to, 2. Last evaluated: 2024-04-18. Review status: criteria provided, single submitter. Criteria: ACMG Guidelines, 2015. Collection method: clinical testing. Allele origin: germline. Inheritance: Autosomal dominant inheritance.

All of Us Research Program, National Institutes of Health
Classification: Uncertain significance for BRCA2-related cancer predisposition. Last evaluated: 2024-03-05. Review status: criteria provided, single submitter. Criteria: ACMG Guidelines, 2015. Collection method: clinical testing. Allele origin: germline. Inheritance: Autosomal dominant inheritance. Observed: 2 variant alleles, 2 heterozygotes.
Comment: This study involves interpretation of variants in research participants for the purpose of population health screening. Participant phenotype was not available at the time of variant classification. Additional details can be found in publication PMID: 35346344, PMCID: PMC8962531

Ambry Genetics
Classification: Uncertain significance for Hereditary cancer-predisposing syndrome. Last evaluated: 2023-10-23. Review status: criteria provided, single submitter. Criteria: Ambry Variant Classification Scheme 2023. Collection method: clinical testing. Allele origin: germline.
Comment: The p.E38K variant (also known as c.112G>A), located in coding exon 2 of the BRCA2 gene, results from a G to A substitution at nucleotide position 112. The glutamic acid at codon 38 is replaced by lysine, an amino acid with similar properties. This alteration was identified in a cohort of Chinese individuals diagnosed with breast cancer undergoing multigene testing (Dong L et al. Hum Mutat. 2018 10;39:1442-1455). This amino acid position is highly conserved in available vertebrate species. In addition, this alteration is predicted to be tolerated by in silico analysis. Since supporting evidence is limited at this time, the clinical significance of this alteration remains unclear.

Quest Diagnostics Nichols Institute San Juan Capistrano
Classification: Uncertain significance. Last evaluated: 2021-02-12. Review status: criteria provided, single submitter. Criteria: Quest Diagnostics criteria. Collection method: clinical testing. Allele origin: unknown.

Cancer Molecular Diagnostics Core, Tianjin Medical University Cancer Institute and Hospital
Classification: Uncertain significance for Breast cancer, susceptibility to. Last evaluated: 2018-03-25. Review status: criteria provided, single submitter. Criteria: ACMG Guidelines, 2015. Collection method: research. Allele origin: germline. Affected: yes. Observed: 1 variant allele.

Department of Pathology and Laboratory Medicine, Sinai Health System
Classification: Uncertain significance. Review status: no assertion criteria provided. Collection method: clinical testing. Allele origin: unknown. Affected: yes. Observed: 1 variant allele. Study: The Canadian Open Genetics Repository (COGR). Not counted in ClinVar's aggregate classification.

Literature cited by the submitters: PubMed 33471991 (cited by Color Diagnostics, LLC DBA Color Health); PubMed 40413188 (cited by Color Diagnostics, LLC DBA Color Health); PubMed 30039884 (cited by 3 submitters); PubMed 37731132 (cited by Labcorp Genetics (formerly Invitae), Labcorp).